The following is an entry in ClinVar:

ClinVar aggregate classification (germline): Uncertain significance (1 of 4 stars; one submission).

Conditions:
Nemaline myopathy 6 (NEM6). Also called: Nemaline myopathy 6, autosomal dominant. Identifiers: Orphanet 171439, MedGen C1836472, MONDO:0012237, OMIM 609273.

Submission:

Labcorp Genetics (formerly Invitae), Labcorp
Classification: Uncertain significance for Nemaline myopathy 6. Last evaluated: 2025-07-27. Review status: criteria provided, single submitter. Criteria: Invitae Variant Classification Sherloc (09022015). Collection method: clinical testing. Allele origin: germline.
Comment: This variant, c.272_277dup, results in the insertion of 2 amino acid(s) of the KBTBD13 protein (p.Pro91_Ala92dup), but otherwise preserves the integrity of the reading frame. This variant is not present in population databases (gnomAD no frequency). This variant has not been reported in the literature in individuals affected with KBTBD13-related conditions. In summary, the available evidence is currently insufficient to determine the role of this variant in disease. Therefore, it has been classified as a Variant of Uncertain Significance.

NM_001101362.3(KBTBD13):c.272_277dup (p.Ala92_Leu93insProAla)

Gene: KBTBD13 (kelch repeat and BTB domain containing 13; plus strand). Cytogenetic location: 15q22.31.
Variant type: Duplication.
Coding change: c.272_277dup on transcript NM_001101362.3 (MANE Select); coding-DNA positions 272 to 277, 6 bases duplicated (CGGCGC; older notation c.272_277dupCGGCGC).
Protein change: p.Ala92_Leu93insProAla.
Molecular consequence: inframe insertion.
Genome position (GRCh38, 1-based): chr15:65,077,087-65,077,092, CGGCGC duplicated; duplicating any 6 consecutive bases within chr15:65,077,082-65,077,092 gives the same sequence; the c. name uses the placement nearest the transcript's 3' end. VCF-style (leftmost placement, unchanged base first): chr15-65077081-A-AGGCGCC. GRCh37 (hg19) VCF-style: chr15-65369419-A-AGGCGCC.
Identifiers: ClinVar variation 4699597 (VCV004699597.1).